The following is an entry in ClinVar:

ClinVar aggregate classification (germline): Uncertain significance. Review status: criteria provided, multiple submitters, no conflicts (2 of 4 stars). 6 submissions from 6 submitters: Uncertain significance (5). 1 of the submissions does not count toward it. Last evaluated 2025-11-12.

Conditions:
Hereditary cancer-predisposing syndrome. Also called: Hereditary neoplastic syndrome; Neoplastic Syndromes, Hereditary; Tumor predisposition; Hereditary Cancer Syndrome. Identifiers: Orphanet 140162, MedGen C0027672, MeSH D009386, MONDO:0015356.
Ataxia-telangiectasia syndrome (AT). Also called: LOUIS-BAR SYNDROME; Cerebello-oculocutaneous telangiectasia; Immunodeficiency with ataxia telangiectasia; AT, COMPLEMENTATION GROUP C; Ataxia-telangiectasia, complementation group D; ATAXIA-TELANGIECTASIA, COMPLEMENTATION GROUP A. Identifiers: Orphanet 100, MedGen C0004135, MONDO:0008840, OMIM 208900.

Allele frequency attached by ClinVar (database versions not stated): gnomAD exomes below 0.00001.
gnomAD v4.1: 3 of 1,612,254 alleles (0.00019%); highest among the groups gnomAD compares: Admixed American, 0.0017%; no homozygotes.

Submissions (6):

Labcorp Genetics (formerly Invitae), Labcorp
Classification: Uncertain significance for Ataxia-telangiectasia syndrome. Last evaluated: 2025-11-12. Review status: criteria provided, single submitter. Criteria: Invitae Variant Classification Sherloc (09022015). Collection method: clinical testing. Allele origin: germline.
Comment: This sequence change replaces cysteine, which is neutral and slightly polar, with tryptophan, which is neutral and slightly polar, at codon 633 of the ATM protein (p.Cys633Trp). This variant is not present in population databases (gnomAD no frequency). This variant has not been reported in the literature in individuals affected with ATM-related conditions. ClinVar contains an entry for this variant (Variation ID: 481204). An algorithm developed to predict the effect of missense changes on protein structure and function (PolyPhen-2) suggests that this variant is likely to be disruptive. In summary, the available evidence is currently insufficient to determine the role of this variant in disease. Therefore, it has been classified as a Variant of Uncertain Significance.

Ambry Genetics
Classification: Uncertain significance for Hereditary cancer-predisposing syndrome. Last evaluated: 2025-10-29. Review status: criteria provided, single submitter. Criteria: Ambry Variant Classification Scheme 2023. Collection method: clinical testing. Allele origin: germline.
Comment: The p.C633W variant (also known as c.1899T>G), located in coding exon 12 of the ATM gene, results from a T to G substitution at nucleotide position 1899. This variant impacts the first base pair of coding exon 12. The cysteine at codon 633 is replaced by tryptophan, an amino acid with highly dissimilar properties. This amino acid position is highly conserved in available vertebrate species. In addition, the in silico prediction for this alteration is inconclusive. Based on the available evidence, the clinical significance of this variant remains unclear.

Color Diagnostics, LLC DBA Color Health
Classification: Uncertain significance for Hereditary cancer-predisposing syndrome. Last evaluated: 2024-08-12. Review status: criteria provided, single submitter. Criteria: ACMG Guidelines, 2015. Collection method: clinical testing. Allele origin: germline.
Comment: This missense variant replaces cysteine with tryptophan at codon 633 of the ATM protein. Computational prediction suggests that this variant may not impact protein structure and function. To our knowledge, functional studies have not been reported for this variant. This variant has been reported in an individual affected with early-onset breast cancer (PMID: 33280026). This variant has not been identified in the general population by the Genome Aggregation Database (gnomAD). The available evidence is insufficient to determine the role of this variant in disease conclusively. Therefore, this variant is classified as a Variant of Uncertain Significance.

GeneDx
Classification: Uncertain significance. Last evaluated: 2023-12-01. Review status: criteria provided, single submitter. Criteria: GeneDx Variant Classification Process June 2021. Collection method: clinical testing. Allele origin: germline. Affected: yes.
Comment: Not observed at significant frequency in large population cohorts (gnomAD); In silico analysis supports that this missense variant has a deleterious effect on protein structure/function; Observed in an individual with breast cancer in published literature (PMID: 33280026); This variant is associated with the following publications: (PMID: 33280026)

Spanish ATM Cancer Susceptibility Variant Interpretation Working Group
Classification: Uncertain significance for Hereditary cancer-predisposing syndrome. Last evaluated: 2020-06-17. Review status: criteria provided, single submitter. Criteria: Feliubadaló L et al. (Clin Chem 2021). Collection method: clinical testing. Allele origin: germline. Affected: yes. Observed: 1 heterozygote.
Comment: The c.1899T>G (p.Cys633Trp) variant is absent from the gnomAD v2.1.1 non-cancer dataset, in a position with adequate coverage (>20x) (PM2). It is not predicted to lead to a splicing alteration according to SPiCE, and no splicing site is created or activated according to at least 3 splicing predictors of the set SpliceSiteFinderlike - MaxEntScan - NNSplice - GeneSplicer. However, the in silico protein effect prediction for this missense variant is inconclusive and there is no other supporting data that meet criteria for consideration. Therefore, the clinical significance of this variant is uncertain. Adapted ACMG/AMP rules applied as defined by the Spanish ATM working group: PM2 (PMID: 33280026).

Natera, Inc.
Classification: Uncertain significance for Ataxia-telangiectasia. Last evaluated: 2021-06-07. Review status: no assertion criteria provided. Collection method: clinical testing. Allele origin: germline. Not counted in ClinVar's aggregate classification.

Literature cited by the submitters: PubMed 33280026 (cited by Color Diagnostics, LLC DBA Color Health).

NM_000051.4(ATM):c.1899T>G (p.Cys633Trp)

Gene: ATM (ATM serine/threonine kinase; plus strand). Cytogenetic location: 11q22.3.
Variant type: single nucleotide variant.
Coding change: c.1899T>G on transcript NM_000051.4 (MANE Select); coding-DNA position 1899, T replaced by G.
Protein change: p.Cys633Trp; replaces cysteine 633 with tryptophan.
Molecular consequence: missense variant.
Genome position (GRCh38, 1-based): chr11:108,253,814, T>G. VCF-style: chr11-108253814-T-G. GRCh37 (hg19) VCF-style: chr11-108124541-T-G.
Other names: c.1899T>G, p.Cys633Trp (NM_001351834.2); short protein forms C633W.
Identifiers: ClinVar variation 481204 (VCV000481204.29), dbSNP rs1040176168, ClinGen allele CA228393380.